The following is an entry in ClinVar:

NM_000760.4(CSF3R):c.1503G>C (p.Glu501Asp)

Gene: CSF3R (colony stimulating factor 3 receptor; minus strand). Cytogenetic location: 1p34.3.
Variant type: single nucleotide variant.
Coding change: c.1503G>C on transcript NM_000760.4 (MANE Select); coding-DNA position 1503, G replaced by C.
Protein change: p.Glu501Asp; replaces glutamic acid 501 with aspartic acid.
Molecular consequence: missense variant.
Genome position (GRCh38, 1-based): chr1:36,469,229, C>G on the plus strand (G>C on the coding strand, the complement: CSF3R is on the minus strand). VCF-style: chr1-36469229-C-G. GRCh37 (hg19) VCF-style: chr1-36934830-C-G.
Other names: c.1503G>C, p.Glu501Asp (NM_156039.3, NM_172313.3); short protein forms E501D.
Identifiers: ClinVar variation 2878232 (VCV002878232.3), dbSNP rs776028338, ClinGen allele CA339419276.
Genomic context (GRCh38, chr1:36,469,229, plus strand): 5'-GTAGGCATAGACATGCTGGGAGGGTCCCATGGTGTCCTGGTACAAGGGAGTCACGATGAT[C>G]TCATAGAGCTGAAAGGGCCTGATGTTCTCTGTAGAGAGAAAATGGGGTAGGCACTTCTGT-3'
Protein context (NP_000751.1, residues 491-511): KENIRPFQLY[Glu501Asp]IIVTPLYQDT

ClinVar aggregate classification (germline): Uncertain significance (1 of 4 stars; one submission).

Conditions:
Autosomal recessive severe congenital neutropenia due to CSF3R deficiency. Also called: Neutropenia, severe congenital, 7, autosomal recessive. Identifiers: Orphanet 420702, MedGen C4310764, MONDO:0014865, OMIM 617014.

Allele frequency attached by ClinVar (database versions not stated): gnomAD 0.00001.
gnomAD v4.1: 5 of 1,613,990 alleles (0.00031%); highest among the groups gnomAD compares: Non-Finnish European, 0.00042%; no homozygotes.

Submission:

Labcorp Genetics (formerly Invitae), Labcorp
Classification: Uncertain significance for Autosomal recessive severe congenital neutropenia due to CSF3R deficiency. Last evaluated: 2023-01-26. Review status: criteria provided, single submitter. Criteria: Invitae Variant Classification Sherloc (09022015). Collection method: clinical testing. Allele origin: germline.
Comment: This sequence change replaces glutamic acid, which is acidic and polar, with aspartic acid, which is acidic and polar, at codon 501 of the CSF3R protein (p.Glu501Asp). This variant is present in population databases (no rsID available, gnomAD 0.007%). This variant has not been reported in the literature in individuals affected with CSF3R-related conditions. Advanced modeling of protein sequence and biophysical properties (such as structural, functional, and spatial information, amino acid conservation, physicochemical variation, residue mobility, and thermodynamic stability) performed at Invitae indicates that this missense variant is not expected to disrupt CSF3R protein function. In summary, the available evidence is currently insufficient to determine the role of this variant in disease. Therefore, it has been classified as a Variant of Uncertain Significance.